The following is an entry in ClinVar:

NM_000179.3(MSH6):c.1148G>T (p.Arg383Met)

Gene: MSH6 (mutS homolog 6; plus strand). Cytogenetic location: 2p16.3.
Variant type: single nucleotide variant.
Coding change: c.1148G>T on transcript NM_000179.3 (MANE Select); coding-DNA position 1148, G replaced by T.
Protein change: p.Arg383Met; replaces arginine 383 with methionine.
Molecular consequence: missense variant.
Genome position (GRCh38, 1-based): chr2:47,799,131, G>T. VCF-style: chr2-47799131-G-T. GRCh37 (hg19) VCF-style: chr2-48026270-G-T.
Other names: c.758G>T, p.Arg253Met (NM_001281492.2); c.242G>T, p.Arg81Met (NM_001281493.2, NM_001281494.2, NM_001406811.1 and 6 more transcripts); c.1244G>T, p.Arg415Met (NM_001406795.1, NM_001406802.1); c.1148G>T, p.Arg383Met (NM_001406796.1, NM_001406798.1, NM_001406800.1 and 4 more transcripts); c.851G>T, p.Arg284Met (NM_001406797.1, NM_001406801.1, NM_001406805.1 and 10 more transcripts); c.623G>T, p.Arg208Met (NM_001406799.1, NM_001406806.1, NM_001406807.1); c.1070G>T, p.Arg357Met (NM_001406804.1); c.1154G>T, p.Arg385Met (NM_001406813.1); and 1 more; short protein forms R357M, R383M, R385M, R253M, R284M, R415M, R81M, R208M.
Identifiers: ClinVar variation 1733094 (VCV001733094.2), dbSNP rs2104323121, ClinGen allele CA346742193.

ClinVar aggregate classification (germline): Uncertain significance (1 of 4 stars; one submission).

Conditions:
Hereditary cancer-predisposing syndrome. Also called: Neoplastic Syndromes, Hereditary; Tumor predisposition; Hereditary Cancer Syndrome; Hereditary neoplastic syndrome. Identifiers: Orphanet 140162, MedGen C0027672, MeSH D009386, MONDO:0015356.

Submission:

Ambry Genetics
Classification: Uncertain significance for Hereditary cancer-predisposing syndrome. Last evaluated: 2021-01-31. Review status: criteria provided, single submitter. Criteria: Ambry Variant Classification Scheme 2023. Collection method: clinical testing. Allele origin: germline.
Comment: The p.R383M variant (also known as c.1148G>T), located in coding exon 4 of the MSH6 gene, results from a G to T substitution at nucleotide position 1148. The arginine at codon 383 is replaced by methionine, an amino acid with similar properties. This amino acid position is highly conserved in available vertebrate species. In addition, this alteration is predicted to be deleterious by in silico analysis. Since supporting evidence is limited at this time, the clinical significance of this alteration remains unclear.